The following is an entry in ClinVar:

ClinVar aggregate classification (germline): Uncertain significance (1 of 4 stars; one submission).

Submission:

Labcorp Genetics (formerly Invitae), Labcorp
Classification: Uncertain significance. Last evaluated: 2024-10-24. Review status: criteria provided, single submitter. Criteria: Invitae Variant Classification Sherloc (09022015). Collection method: clinical testing. Allele origin: germline.
Comment: This sequence change replaces glycine, which is neutral and non-polar, with cysteine, which is neutral and slightly polar, at codon 541 of the COL18A1 protein (p.Gly541Cys). This variant is not present in population databases (gnomAD no frequency). This variant has not been reported in the literature in individuals affected with COL18A1-related conditions. ClinVar contains an entry for this variant (Variation ID: 1435908). Experimental studies and prediction algorithms are not available or were not evaluated, and the functional significance of this variant is currently unknown. In summary, the available evidence is currently insufficient to determine the role of this variant in disease. Therefore, it has been classified as a Variant of Uncertain Significance.

NM_001379500.1(COL18A1):c.1621G>T (p.Gly541Cys)

Gene: COL18A1 (collagen type XVIII alpha 1 chain; plus strand). Cytogenetic location: 21q22.3.
Variant type: single nucleotide variant.
Coding change: c.1621G>T on transcript NM_001379500.1 (MANE Select); coding-DNA position 1621, G replaced by T.
Protein change: p.Gly541Cys; replaces glycine 541 with cysteine.
Molecular consequence: missense variant.
Genome position (GRCh38, 1-based): chr21:45,481,972, G>T. VCF-style: chr21-45481972-G-T. GRCh37 (hg19) VCF-style: chr21-46901886-G-T.
Other names: c.2161G>T, p.Gly721Cys (NM_030582.4); c.2866G>T, p.Gly956Cys (NM_130444.3); short protein forms G956C, G541C, G721C.
Identifiers: ClinVar variation 1435908 (VCV001435908.6), dbSNP rs2145942771, ClinGen allele CA410518585.